The following is an entry in ClinVar:

ClinVar aggregate classification (germline): Likely benign (1 of 4 stars; one submission).

gnomAD v4.1: 1 of 1,611,966 alleles (0.000062%); highest among the groups gnomAD compares: Non-Finnish European, 0.000085%; no homozygotes.

Submission:

CeGaT Center for Human Genetics Tuebingen
Classification: Likely benign. Last evaluated: 2024-11-01. Review status: criteria provided, single submitter. Criteria: CeGaT Center For Human Genetics Tuebingen Variant Classification Criteria Version 2. Collection method: clinical testing. Allele origin: germline. Affected: yes. Observed: 1 variant allele.
Comment: TMCO1: BP4, BP7

NM_019026.6(TMCO1):c.333T>C (p.Gly111=)

Gene: TMCO1 (transmembrane and coiled-coil domains 1; minus strand). Cytogenetic location: 1q24.1.
Variant type: single nucleotide variant.
Coding change: c.333T>C on transcript NM_019026.6 (MANE Select); coding-DNA position 333, T replaced by C.
Protein change: p.Gly111=; no amino-acid change (glycine 111 retained).
Molecular consequence: synonymous variant. On other transcripts: non-coding transcript variant (1).
Genome position (GRCh38, 1-based): chr1:165,743,302, A>G on the plus strand (T>C on the coding strand, the complement: TMCO1 is on the minus strand). VCF-style: chr1-165743302-A-G. GRCh37 (hg19) VCF-style: chr1-165712539-A-G.
Other names: c.384T>C, p.Gly128= (NM_001256164.1); c.297T>C, p.Gly99= (NM_001256165.1).
Identifiers: ClinVar variation 3388761 (VCV003388761.14).
Genomic context (GRCh38, chr1:165,743,302, plus strand): 5'-TCGATGAGACAGTCCTTGGATGTAAGAAAGAGGGGTAAAAGGAAGCTTTGCCACCACTCT[A>G]CCATCAAATCTAAAAGAAAAAAAAAAAAAAAGAATTGTTATCTTTGGAAGACTGACAACT-3'
Protein context (NP_061899.3, residues 101-121): LMGMFNSIFD[Gly111=]RVVAKLPFTP